The following is an entry in ClinVar:

NM_001453.3(FOXC1):c.915_918dup (p.Gly307fs)

Gene: FOXC1 (forkhead box C1; plus strand). Cytogenetic location: 6p25.3.
Variant type: Duplication.
Coding change: c.915_918dup on transcript NM_001453.3 (MANE Select); coding-DNA positions 915 to 918, 4 bases duplicated (CCAG; older notation c.915_918dupCCAG).
Protein change: p.Gly307fs; shifts the reading frame from glycine 307.
Molecular consequence: frameshift variant.
Genome position (GRCh38, 1-based): chr6:1,611,360-1,611,363, CCAG duplicated; duplicating any 4 consecutive bases within chr6:1,611,358-1,611,363 gives the same sequence; the c. name uses the placement nearest the transcript's 3' end. VCF-style (leftmost placement, unchanged base first): chr6-1611357-T-TAGCC. GRCh37 (hg19) VCF-style: chr6-1611592-T-TAGCC.
Other names: short protein forms G307fs.
Identifiers: ClinVar variation 2004548 (VCV002004548.4), dbSNP rs2480504690, ClinGen allele CA2580074198.

ClinVar aggregate classification (germline): Pathogenic (1 of 4 stars; one submission).

Conditions:
Axenfeld-Rieger syndrome type 3 (RIEG3). Also called: AXENFELD-RIEGER ANOMALY WITH CARDIAC DEFECTS AND/OR SENSORINEURAL HEARING LOSS. Identifiers: Orphanet 782, MedGen C2678503, MONDO:0011233, OMIM 602482.

Submission:

Labcorp Genetics (formerly Invitae), Labcorp
Classification: Pathogenic for Axenfeld-Rieger syndrome type 3. Last evaluated: 2022-06-10. Review status: criteria provided, single submitter. Criteria: Invitae Variant Classification Sherloc (09022015). Collection method: clinical testing. Allele origin: germline.
Comment: For these reasons, this variant has been classified as Pathogenic. This variant disrupts a region of the FOXC1 protein in which other variant(s) (p.Gln467*) have been determined to be pathogenic (Invitae). This suggests that this is a clinically significant region of the protein, and that variants that disrupt it are likely to be disease-causing. This variant has not been reported in the literature in individuals affected with FOXC1-related conditions. This variant is not present in population databases (gnomAD no frequency). This sequence change creates a premature translational stop signal (p.Gly307Profs*222) in the FOXC1 gene. While this is not anticipated to result in nonsense mediated decay, it is expected to disrupt the last 247 amino acid(s) of the FOXC1 protein.